The following is an entry in ClinVar:

ClinVar aggregate classification (germline): Uncertain significance (1 of 4 stars; one submission).

gnomAD v4.1: 9 of 1,614,008 alleles (0.00056%); highest among the groups gnomAD compares: African/African-American, 0.012%; no homozygotes.

Submission:

Labcorp Genetics (formerly Invitae), Labcorp
Classification: Uncertain significance. Last evaluated: 2024-07-19. Review status: criteria provided, single submitter. Criteria: Invitae Variant Classification Sherloc (09022015). Collection method: clinical testing. Allele origin: germline.
Comment: This sequence change replaces histidine, which is basic and polar, with arginine, which is basic and polar, at codon 816 of the ABCC8 protein (p.His816Arg). This variant is present in population databases (rs770092509, gnomAD 0.02%). This missense change has been observed in individual(s) with clinical features of ABCC8-related conditions (PMID: 21981029, 32027066). This variant is also known as p.His817Arg. Advanced modeling of protein sequence and biophysical properties (such as structural, functional, and spatial information, amino acid conservation, physicochemical variation, residue mobility, and thermodynamic stability) performed at Invitae indicates that this missense variant is not expected to disrupt ABCC8 protein function with a negative predictive value of 95%. In summary, the available evidence is currently insufficient to determine the role of this variant in disease. Therefore, it has been classified as a Variant of Uncertain Significance.

Literature cited by the submitters: PubMed 21981029; PubMed 32027066.

NM_000352.6(ABCC8):c.2447A>G (p.His816Arg)

Genes: ABCC8 (ATP binding cassette subfamily C member 8; minus strand), LOC110121471 (VISTA enhancer hs1977; plus strand). Cytogenetic location: 11p15.1.
Variant type: single nucleotide variant.
Coding change: c.2447A>G on transcript NM_000352.6 (MANE Select); coding-DNA position 2447, A replaced by G.
Protein change: p.His816Arg; replaces histidine 816 with arginine.
Molecular consequence: missense variant. On other transcripts: non-coding transcript variant (1).
Genome position (GRCh38, 1-based): chr11:17,413,422, T>C on the plus strand (A>G on the coding strand, the complement: ABCC8 is on the minus strand). VCF-style: chr11-17413422-T-C. GRCh37 (hg19) VCF-style: chr11-17434969-T-C.
Other names: c.2450A>G, p.His817Arg (NM_001287174.3); c.2513A>G, p.His838Arg (NM_001351295.2); c.2447A>G, p.His816Arg (NM_001351296.2); c.2444A>G, p.His815Arg (NM_001351297.2); short protein forms H816R, H815R, H817R, H838R.
Identifiers: ClinVar variation 3710518 (VCV003710518.2).